The following is an entry in ClinVar:

NM_000465.4(BARD1):c.1801G>C (p.Asp601His)

Gene: BARD1 (BRCA1 associated RING domain 1; minus strand). Cytogenetic location: 2q35.
Variant type: single nucleotide variant.
Coding change: c.1801G>C on transcript NM_000465.4 (MANE Select); coding-DNA position 1801, G replaced by C.
Protein change: p.Asp601His; replaces aspartic acid 601 with histidine.
Molecular consequence: missense variant. On other transcripts: non-coding transcript variant (3), intron variant (1).
Genome position (GRCh38, 1-based): chr2:214,745,731, C>G on the plus strand (G>C on the coding strand, the complement: BARD1 is on the minus strand). VCF-style: chr2-214745731-C-G. GRCh37 (hg19) VCF-style: chr2-215610455-C-G.
Other names: c.1744G>C, p.Asp582His (NM_001282543.2); c.448G>C, p.Asp150His (NM_001282545.2); c.391G>C, p.Asp131His (NM_001282548.2); c.365-15223G>C (NM_001282549.2); short protein forms D150H, D601H, D131H, D582H.
Identifiers: ClinVar variation 3722831 (VCV003722831.2).

ClinVar aggregate classification (germline): Uncertain significance (1 of 4 stars; one submission).

Conditions:
Familial cancer of breast. Also called: Hereditary breast cancer; BREAST CANCER, FAMILIAL; hereditary breast carcinoma. Identifiers: Orphanet 227535, MedGen C0346153, MONDO:0016419, OMIM 114480. Disease mechanism: loss of function.

Submission:

Labcorp Genetics (formerly Invitae), Labcorp
Classification: Uncertain significance for Familial cancer of breast. Last evaluated: 2025-01-06. Review status: criteria provided, single submitter. Criteria: Invitae Variant Classification Sherloc (09022015). Collection method: clinical testing. Allele origin: germline.
Comment: This sequence change replaces aspartic acid, which is acidic and polar, with histidine, which is basic and polar, at codon 601 of the BARD1 protein (p.Asp601His). This variant is not present in population databases (gnomAD no frequency). This variant has not been reported in the literature in individuals affected with BARD1-related conditions. An algorithm developed to predict the effect of missense changes on protein structure and function (PolyPhen-2) suggests that this variant is likely to be disruptive. In summary, the available evidence is currently insufficient to determine the role of this variant in disease. Therefore, it has been classified as a Variant of Uncertain Significance.